The following is an entry in ClinVar:

ClinVar aggregate classification (germline): Uncertain significance (1 of 4 stars; one submission).

Conditions:
Progressive sclerosing poliodystrophy (MTDPS4A). Also called: Mitochondrial DNA depletion syndrome 4A (Alpers type); Alpers Syndrome; ALPERS DIFFUSE DEGENERATION OF CEREBRAL GRAY MATTER WITH HEPATIC CIRRHOSIS; Alpers-Huttenlocher Syndrome; ALPERS PROGRESSIVE INFANTILE POLIODYSTROPHY; NEURONAL DEGENERATION OF CHILDHOOD WITH LIVER DISEASE, PROGRESSIVE. Identifiers: Orphanet 726, MedGen C0205710, MONDO:0008758, OMIM 203700.

Submission:

Labcorp Genetics (formerly Invitae), Labcorp
Classification: Uncertain significance for Progressive sclerosing poliodystrophy. Last evaluated: 2022-04-29. Review status: criteria provided, single submitter. Criteria: Invitae Variant Classification Sherloc (09022015). Collection method: clinical testing. Allele origin: germline.
Comment: This variant is not present in population databases (gnomAD no frequency). This variant, c.514_525del, results in the deletion of 4 amino acid(s) of the POLG protein (p.Ala172_Trp175del), but otherwise preserves the integrity of the reading frame. This variant has not been reported in the literature in individuals affected with POLG-related conditions. In summary, the available evidence is currently insufficient to determine the role of this variant in disease. Therefore, it has been classified as a Variant of Uncertain Significance. Experimental studies and prediction algorithms are not available or were not evaluated, and the functional significance of this variant is currently unknown.

NM_002693.3(POLG):c.514_525del (p.Ala172_Trp175del)

Genes: POLG (DNA polymerase gamma, catalytic subunit; minus strand), POLGARF (POLG alternative reading frame; minus strand). Cytogenetic location: 15q26.1.
Variant type: Deletion.
Coding change: c.514_525del on transcript NM_002693.3 (MANE Select); coding-DNA positions 514 to 525, 12 bases deleted (GCGGAGGGCTGG).
Protein change: p.Ala172_Trp175del.
Molecular consequence: inframe deletion.
Genome position (GRCh38, 1-based): chr15:89,333,230-89,333,241, CCAGCCCTCCGC deleted on the plus strand (GCGGAGGGCTGG on the coding strand, the reverse complement: POLG is on the minus strand); deleting any 12 consecutive bases within chr15:89,333,230-89,333,245 gives the same sequence; the c. name uses the placement nearest the transcript's 3' end. VCF-style (leftmost placement, unchanged base first): chr15-89333229-TCCAGCCCTCCGC-T. GRCh37 (hg19) VCF-style: chr15-89876460-TCCAGCCCTCCGC-T.
Other names: c.514_525del, p.Ala172_Trp175del (NM_001126131.2).
Identifiers: ClinVar variation 2132012 (VCV002132012.4), dbSNP rs2509275047, ClinGen allele CA2580090384.